The following is an entry in ClinVar:

ClinVar aggregate classification (germline): Uncertain significance (1 of 4 stars; one submission).

Conditions:
Peroxisome biogenesis disorder. Identifiers: Orphanet 79189, MedGen C1832200, MONDO:0019234. Disease mechanism: loss of function.

Allele frequency attached by ClinVar (database versions not stated): TOPMed below 0.00001; gnomAD 0.00001; gnomAD exomes 0.00001.
gnomAD v4.1: 13 of 1,534,006 alleles (0.00085%); highest among the groups gnomAD compares: Admixed American, 0.002%; no homozygotes.

Submission:

Labcorp Genetics (formerly Invitae), Labcorp
Classification: Uncertain significance for Peroxisome biogenesis disorder. Last evaluated: 2024-10-23. Review status: criteria provided, single submitter. Criteria: Invitae Variant Classification Sherloc (09022015). Collection method: clinical testing. Allele origin: germline.
Comment: This sequence change replaces valine, which is neutral and non-polar, with isoleucine, which is neutral and non-polar, at codon 120 of the PEX6 protein (p.Val120Ile). This variant is present in population databases (no rsID available, gnomAD 0.002%). This variant has not been reported in the literature in individuals affected with PEX6-related conditions. ClinVar contains an entry for this variant (Variation ID: 1449853). An algorithm developed to predict the effect of missense changes on protein structure and function outputs the following: PolyPhen-2: "Benign". The isoleucine amino acid residue is found in multiple mammalian species, which suggests that this missense change does not adversely affect protein function. In summary, the available evidence is currently insufficient to determine the role of this variant in disease. Therefore, it has been classified as a Variant of Uncertain Significance.

NM_000287.4(PEX6):c.358G>A (p.Val120Ile)

Gene: PEX6 (peroxisomal biogenesis factor 6; minus strand). Cytogenetic location: 6p21.1.
Variant type: single nucleotide variant.
Coding change: c.358G>A on transcript NM_000287.4 (MANE Select); coding-DNA position 358, G replaced by A.
Protein change: p.Val120Ile; replaces valine 120 with isoleucine.
Molecular consequence: missense variant. On other transcripts: non-coding transcript variant (1).
Genome position (GRCh38, 1-based): chr6:42,978,793, C>T on the plus strand (G>A on the coding strand, the complement: PEX6 is on the minus strand). VCF-style: chr6-42978793-C-T. GRCh37 (hg19) VCF-style: chr6-42946531-C-T.
Other names: c.358G>A, p.Val120Ile (NM_001316313.2); short protein forms V120I.
Identifiers: ClinVar variation 1449853 (VCV001449853.8), dbSNP rs918929371, ClinGen allele CA138238412.